The following is an entry in ClinVar:

NM_006231.4(POLE):c.255_257del (p.Phe86del)

Gene: POLE (DNA polymerase epsilon, catalytic subunit; minus strand). Cytogenetic location: 12q24.33.
Variant type: Deletion.
Coding change: c.255_257del on transcript NM_006231.4 (MANE Select); coding-DNA positions 255 to 257, 3 bases deleted (CTT; older notation c.255_257delCTT).
Protein change: p.Phe86del; deletes phenylalanine 86.
Molecular consequence: inframe deletion.
Genome position (GRCh38, 1-based): chr12:132,680,635-132,680,637, AAG deleted on the plus strand (CTT on the coding strand, the reverse complement: POLE is on the minus strand). VCF-style (leftmost placement, unchanged base first): chr12-132680634-AAAG-A. GRCh37 (hg19) VCF-style: chr12-133257220-AAAG-A.
Other names: c.255_257delCTT (NM_006231.3); short protein forms F86del.
Identifiers: ClinVar variation 579463 (VCV000579463.11), dbSNP rs1565981011, ClinGen allele CA891843750.

ClinVar aggregate classification (germline): Uncertain significance. Review status: criteria provided, multiple submitters, no conflicts (2 of 4 stars). 2 submissions from 2 submitters: Uncertain significance (2). Last evaluated 2021-04-23.

Conditions:
Hereditary cancer-predisposing syndrome. Also called: Neoplastic Syndromes, Hereditary; Tumor predisposition; Hereditary neoplastic syndrome; Hereditary Cancer Syndrome. Identifiers: Orphanet 140162, MedGen C0027672, MeSH D009386, MONDO:0015356.

Submissions (2):

Labcorp Genetics (formerly Invitae), Labcorp
Classification: Uncertain significance. Last evaluated: 2021-04-23. Review status: criteria provided, single submitter. Criteria: Invitae Variant Classification Sherloc (09022015). Collection method: clinical testing. Allele origin: germline.
Comment: In summary, the available evidence is currently insufficient to determine the role of this variant in disease. Therefore, it has been classified as a Variant of Uncertain Significance. Experimental studies and prediction algorithms are not available for this variant, and the functional significance of the deleted amino acid is currently unknown. This variant has not been reported in the literature in individuals with POLE-related disease. This variant is not present in population databases (ExAC no frequency). This variant, c.255_257delCTT, results in the deletion of 1 amino acid of the POLE protein (p.Phe86del), but otherwise preserves the integrity of the reading frame.

Ambry Genetics
Classification: Uncertain significance for Hereditary cancer-predisposing syndrome. Last evaluated: 2019-08-19. Review status: criteria provided, single submitter. Criteria: Ambry Variant Classification Scheme 2023. Collection method: clinical testing. Allele origin: germline.
Comment: The c.255_257delCTT variant (also known as p.F86del) is located in coding exon 3 of the POLE gene. This variant results from an in-frame CTT deletion at nucleotide positions 255 to 257. This results in the in-frame deletion of a phenylalanine at codon 86. This amino acid position is highly conserved in available vertebrate species. Since supporting evidence is limited at this time, the clinical significance of this alteration remains unclear.